The following is an entry in ClinVar:

NM_000282.4(PCCA):c.232-2A>T

Gene: PCCA (propionyl-CoA carboxylase subunit alpha; plus strand). Cytogenetic location: 13q32.3.
Variant type: single nucleotide variant.
Coding change: c.232-2A>T on transcript NM_000282.4 (MANE Select); the canonical splice acceptor site of the intron before coding-DNA position 232, A replaced by T.
Molecular consequence: splice acceptor variant.
Genome position (GRCh38, 1-based): chr13:100,111,991, A>T. VCF-style: chr13-100111991-A-T. GRCh37 (hg19) VCF-style: chr13-100764245-A-T.
Other names: c.232-2A>T (NM_001178004.2, NM_001352605.2, NM_001352606.2 and 1 more transcripts); c.-635-2A>T (NM_001352610.2, NM_001352611.2, NM_001352612.2); c.154-2A>T (NM_001127692.3, NM_001352607.2, NM_001352608.2).
Identifiers: ClinVar variation 1066571 (VCV001066571.7), dbSNP rs747968405, ClinGen allele CA7033156.
Genomic context (GRCh38, chr13:100,111,991, plus strand): 5'-TATTTATTAAACCCCTTTAAGTGTGAATCACTATTAATAGACATTAATATATTTTAAAAT[A>T]GGTTATTAGAACTTGCAAGAAGATGGGCATTAAGACAGTTGCCATCCACAGTGATGTTGA-3'

ClinVar aggregate classification (germline): Likely pathogenic (1 of 4 stars; one submission).

Conditions:
Propionic acidemia (PROP). Also called: KETOTIC HYPERGLYCINEMIA; GLYCINEMIA, KETOTIC; HYPERGLYCINEMIA WITH KETOACIDOSIS AND LEUKOPENIA. Identifiers: Orphanet 35, MedGen C0268579, MONDO:0011628, OMIM 606054, HP:0003571.

Allele frequency attached by ClinVar (database versions not stated): gnomAD exomes below 0.00001; ExAC 0.00001.
gnomAD v4.1: 1 of 1,601,076 alleles (0.000062%); no homozygotes.

Submission:

Labcorp Genetics (formerly Invitae), Labcorp
Classification: Likely pathogenic for Propionic acidemia. Last evaluated: 2020-10-12. Review status: criteria provided, single submitter. Criteria: Invitae Variant Classification Sherloc (09022015). Collection method: clinical testing. Allele origin: germline.
Comment: In summary, the currently available evidence indicates that the variant is pathogenic, but additional data are needed to prove that conclusively. Therefore, this variant has been classified as Likely Pathogenic. Donor and acceptor splice site variants typically lead to a loss of protein function (PMID: 16199547), and loss-of-function variants in PCCA are known to be pathogenic (PMID: 15464417). Algorithms developed to predict the effect of sequence changes on RNA splicing suggest that this variant may disrupt the consensus splice site, but this prediction has not been confirmed by published transcriptional studies. This variant has not been reported in the literature in individuals with PCCA-related conditions. This variant is present in population databases (rs747968405, ExAC 0.02%). This sequence change affects an acceptor splice site in intron 3 of the PCCA gene. It is expected to disrupt RNA splicing and likely results in an absent or disrupted protein product.

Literature cited by the submitters: PubMed 16199547; PubMed 15464417.